The following is an entry in ClinVar:

NM_000138.5(FBN1):c.2293+5G>A

Gene: FBN1 (fibrillin 1; minus strand). Cytogenetic location: 15q21.1.
Variant type: single nucleotide variant.
Coding change: c.2293+5G>A on transcript NM_000138.5 (MANE Select); 5 bases into the intron after coding-DNA position 2293, G replaced by A.
Molecular consequence: intron variant.
Genome position (GRCh38, 1-based): chr15:48,497,261, C>T on the plus strand (G>A on the coding strand, the complement: FBN1 is on the minus strand). VCF-style: chr15-48497261-C-T. GRCh37 (hg19) VCF-style: chr15-48789458-C-T.
Identifiers: ClinVar variation 200180 (VCV000200180.2), dbSNP rs794728327, ClinGen allele CA012929.
Genomic context (GRCh38, chr15:48,497,261, plus strand): 5'-CCCAGCAATGAAAGAAGGAATGCATTATGCAGGCAATGTTTCAGAAAATGGGTAAAACTT[C>T]TCACCAACGCAGTTTTTCCCAGTTGAATCCACTTCATATCCTGAATTGCATATACATTTA-3'

ClinVar aggregate classification (germline): Likely pathogenic (1 of 4 stars; one submission).

Submission:

GeneDx
Classification: Likely pathogenic. Last evaluated: 2014-09-29. Review status: criteria provided, single submitter. Criteria: GeneDx Variant Classification (06012015). Collection method: clinical testing. Allele origin: germline. Affected: yes.
Comment: c.2293+5 G>A: IVS19+5 G>A in intron 19 of the FBN1 gene (NM_000138.4) c.2293+5 G>A variant that is likely pathogenic was identified in the FBN1 gene. Although the c.2293+5 G> A variant has not been reported as a disease - causing mutation or as a benign polymorphism to our knowledge, in silico splice prediction programs predict this variant destroys the natural splice donor site in intron 19 leading to abnormal gene splicing. The mutation is predicted to lead to either an abnormal message that is subject to nonsense - mediated mRNA decay, or to an abnormal protein product if the message is used for protein translation. Other splice site mutations in the FBN1 gene have been reported in association with Marfan syndrome. Additionally, the c.2293+5 G>A variant was not observed in approximately 6,500 individuals of European and African American ancestry in the NHLBI Exome Sequencing Project, indicating it is not a common benign variant in these populations. Therefore, this variant is a strong candidate for a pathogenic mutation, however the possibility that it is a benign variant cannot be excluded. The variant is found in TAAD panel(s).